The following is an entry in ClinVar:

ClinVar aggregate classification (germline): Benign (1 of 4 stars; one submission).

Conditions:
Pseudohypoaldosteronism type 2E (PHA2E). Also called: Pseudohypoaldosteronism Type IIE. Identifiers: Orphanet 300530, Orphanet 757, MedGen C3469606, MONDO:0013782, OMIM 614496.

Allele frequency attached by ClinVar (database versions not stated): 1000 Genomes Project 0.00799; 1000 Genomes Project 30x 0.00890; TOPMed 0.00950.
gnomAD v4.1: 1,453 of 422,016 alleles (0.34%); highest among the groups gnomAD compares: African/African-American, 3%; 11 homozygotes.

Submission:

Illumina Laboratory Services, Illumina
Classification: Benign for Pseudohypoaldosteronism type 2E. Last evaluated: 2018-01-12. Review status: criteria provided, single submitter. Criteria: ICSL Variant Classification Criteria 13 December 2019. Collection method: clinical testing. Allele origin: germline.
Comment: This variant was observed in the ICSL laboratory as part of a predisposition screen in an ostensibly healthy population. It had not been previously curated by ICSL or reported in the Human Gene Mutation Database (HGMD: prior to June 1st, 2018), and was therefore a candidate for classification through an automated scoring system. Utilizing variant allele frequency, disease prevalence and penetrance estimates, and inheritance mode, an automated score was calculated to assess if this variant is too frequent to cause the disease. Based on the score and internal cut-off values, a variant classified as benign is not then subjected to further curation. The score for this variant resulted in a classification of benign for this disease.

NM_003590.5(CUL3):c.-143G>A

Gene: CUL3 (cullin 3; minus strand). Cytogenetic location: 2q36.2.
Variant type: single nucleotide variant.
Coding change: c.-143G>A on transcript NM_003590.5 (MANE Select); 143 bases upstream of the start codon, G replaced by A.
Molecular consequence: 5 prime UTR variant.
Genome position (GRCh38, 1-based): chr2:224,585,152, C>T on the plus strand (G>A on the coding strand, the complement: CUL3 is on the minus strand). VCF-style: chr2-224585152-C-T. GRCh37 (hg19) VCF-style: chr2-225449869-C-T.
Other names: c.-143G>A (NM_001257197.2).
Identifiers: ClinVar variation 897176 (VCV000897176.4), dbSNP rs556768798, ClinGen allele CA66591602.
Genomic context (GRCh38, chr2:224,585,152, plus strand): 5'-GGGCGACGCTGGGGGCGGCGGCGGCGCGACCCCCGGGCAGGGCTGGGGAGCTGGCCGGCC[C>T]CTGGGCAGCCGCGGCGGCGGCGGGGGCGGCGGCGGCGGCGGCGGCGGCTCGGACTCTGGC-3'